The following is an entry in ClinVar:

NM_017780.4(CHD7):c.706T>C (p.Ser236Pro)

Gene: CHD7 (chromodomain helicase DNA binding protein 7; plus strand). Cytogenetic location: 8q12.2.
Variant type: single nucleotide variant.
Coding change: c.706T>C on transcript NM_017780.4 (MANE Select); coding-DNA position 706, T replaced by C.
Protein change: p.Ser236Pro; replaces serine 236 with proline.
Molecular consequence: missense variant.
Genome position (GRCh38, 1-based): chr8:60,742,138, T>C. VCF-style: chr8-60742138-T-C. GRCh37 (hg19) VCF-style: chr8-61654697-T-C.
Other names: c.706T>C, p.Ser236Pro (NM_001316690.1); short protein forms S236P.
Identifiers: ClinVar variation 1703409 (VCV001703409.2), dbSNP rs2487268291, ClinGen allele CA371298931.
Genomic context (GRCh38, chr8:60,742,138, plus strand): 5'-GGCCAAGAGGGCCTCAATCAGGGAAATCCTTTTATTGCCACCTCAGGACCTGGCCACTTG[T>C]CCCACGTGCCCCAGCAGAGTCCCAGCATGGCACCTTCCTTGCGTCACTCGGTGCAGCAGT-3'
Protein context (NP_060250.2, residues 226-246): FIATSGPGHL[Ser236Pro]HVPQQSPSMA

ClinVar aggregate classification (germline): Uncertain significance (1 of 4 stars; one submission).

Submission:

GeneDx
Classification: Uncertain significance. Last evaluated: 2022-02-23. Review status: criteria provided, single submitter. Criteria: GeneDx Variant Classification Process June 2021. Collection method: clinical testing. Allele origin: germline. Affected: yes.
Comment: Not observed at significant frequency in large population cohorts (gnomAD); In silico analysis supports that this missense variant does not alter protein structure/function; Has not been previously published as pathogenic or benign to our knowledge